The following is an entry in ClinVar:

ClinVar aggregate classification (germline): Likely benign. Review status: criteria provided, multiple submitters, no conflicts (2 of 4 stars). 2 submissions from 2 submitters: Likely benign (2). Last evaluated 2025-05-29.

Conditions:
LMOD2-related condition.

gnomAD v4.1: 628 of 1,609,790 alleles (0.039%); highest among the groups gnomAD compares: Non-Finnish European, 0.027%; no homozygotes.

Submissions (2):

PreventionGenetics, part of Exact Sciences
Classification: Likely benign for LMOD2-related condition. Last evaluated: 2025-05-29. Review status: criteria provided, single submitter. Criteria: ACMG Guidelines, 2015. Collection method: clinical testing. Allele origin: germline.
Comment: This variant is classified as likely benign based on ACMG/AMP sequence variant interpretation guidelines (Richards et al. 2015 PMID: 25741868, with internal and published modifications).

Blueprint Genetics
Classification: Likely benign. Last evaluated: 2024-11-23. Review status: criteria provided, single submitter. Criteria: ACMG Guidelines, 2015. Collection method: clinical testing. Allele origin: germline.

NM_207163.3(LMOD2):c.176C>T (p.Thr59Ile)

Gene: LMOD2 (leiomodin 2; plus strand). Cytogenetic location: 7q31.32.
Variant type: single nucleotide variant.
Coding change: c.176C>T on transcript NM_207163.3 (MANE Select); coding-DNA position 176, C replaced by T.
Protein change: p.Thr59Ile; replaces threonine 59 with isoleucine.
Molecular consequence: missense variant.
Genome position (GRCh38, 1-based): chr7:123,656,139, C>T. VCF-style: chr7-123656139-C-T. GRCh37 (hg19) VCF-style: chr7-123296193-C-T.
Other names: c.176C>T (NM_207163.1); short protein forms T59I.
Identifiers: ClinVar variation 4897644 (VCV004897644.2).